The following is an entry in ClinVar:

NM_006059.4(LAMC3):c.1844A>G (p.Asp615Gly)

Genes: LAMC3 (laminin subunit gamma 3; plus strand), LOC126860777 (BRD4-independent group 4 enhancer GRCh37_chr9:133927058-133928257; plus strand). Cytogenetic location: 9q34.12.
Variant type: single nucleotide variant.
Coding change: c.1844A>G on transcript NM_006059.4 (MANE Select); coding-DNA position 1844, A replaced by G.
Protein change: p.Asp615Gly; replaces aspartic acid 615 with glycine.
Molecular consequence: missense variant.
Genome position (GRCh38, 1-based): chr9:131,052,870, A>G. VCF-style: chr9-131052870-A-G. GRCh37 (hg19) VCF-style: chr9-133928257-A-G.
Other names: short protein forms D615G.
Identifiers: ClinVar variation 2088817 (VCV002088817.5), dbSNP rs1320172952, ClinGen allele CA375264272.

ClinVar aggregate classification (germline): Uncertain significance. Review status: criteria provided, multiple submitters, no conflicts (2 of 4 stars). 2 submissions from 2 submitters: Uncertain significance (2). Last evaluated 2025-06-23.

Allele frequency attached by ClinVar (database versions not stated): gnomAD exomes below 0.00001; gnomAD 0.00002; TOPMed 0.00002.
gnomAD v4.1: 7 of 1,601,860 alleles (0.00044%); highest among the groups gnomAD compares: African/African-American, 0.0095%; no homozygotes.

Submissions (2):

Greenwood Genetic Center Diagnostic Laboratories, Greenwood Genetic Center
Classification: Uncertain significance. Last evaluated: 2025-06-23. Review status: criteria provided, single submitter. Criteria: ACMG Guidelines, 2015. Collection method: clinical testing. Allele origin: germline. Affected: yes.
Comment: PM2, BP4

Labcorp Genetics (formerly Invitae), Labcorp
Classification: Uncertain significance. Last evaluated: 2025-01-06. Review status: criteria provided, single submitter. Criteria: Invitae Variant Classification Sherloc (09022015). Collection method: clinical testing. Allele origin: germline.
Comment: This sequence change replaces aspartic acid, which is acidic and polar, with glycine, which is neutral and non-polar, at codon 615 of the LAMC3 protein (p.Asp615Gly). This variant is present in population databases (no rsID available, gnomAD 0.01%). This variant has not been reported in the literature in individuals affected with LAMC3-related conditions. ClinVar contains an entry for this variant (Variation ID: 2088817). An algorithm developed to predict the effect of missense changes on protein structure and function (PolyPhen-2) suggests that this variant is likely to be tolerated. In summary, the available evidence is currently insufficient to determine the role of this variant in disease. Therefore, it has been classified as a Variant of Uncertain Significance.